The following is an entry in ClinVar:

ClinVar aggregate classification (germline): Benign/Likely benign. Review status: criteria provided, multiple submitters, no conflicts (2 of 4 stars). 6 submissions from 6 submitters: Benign (3); Likely benign (3). Last evaluated 2025-12-30.

Conditions:
Connective tissue disorder. Also called: Connective tissue disease. Identifiers: MedGen C0009782, MONDO:0003900.
Congenital contractural arachnodactyly (CCA). Also called: BEALS SYNDROME; Beals-Hecht syndrome; Arthrogryposis, distal, type 9. Identifiers: Orphanet 115, MedGen C0220668, MONDO:0007363, OMIM 121050.

Allele frequency attached by ClinVar (database versions not stated): gnomAD 0.00010; TOPMed 0.00019; 1000 Genomes Project 30x 0.00031; 1000 Genomes Project 0.00040.
gnomAD v4.1: 217 of 1,608,190 alleles (0.013%); highest among the groups gnomAD compares: South Asian, 0.13%; 2 homozygotes.

Submissions (6):

Labcorp Genetics (formerly Invitae), Labcorp
Classification: Benign for Congenital contractural arachnodactyly. Last evaluated: 2025-12-30. Review status: criteria provided, single submitter. Criteria: Invitae Variant Classification Sherloc (09022015). Collection method: clinical testing. Allele origin: germline.

Blueprint Genetics
Classification: Likely benign. Last evaluated: 2024-10-03. Review status: criteria provided, single submitter. Criteria: ACMG Guidelines, 2015. Collection method: clinical testing. Allele origin: germline.

Women's Health and Genetics/Laboratory Corporation of America, LabCorp
Classification: Benign. Last evaluated: 2024-05-06. Review status: criteria provided, single submitter. Criteria: LabCorp Variant Classification Summary - May 2015. Collection method: clinical testing. Allele origin: germline.

Illumina Laboratory Services, Illumina
Classification: Likely benign for Congenital contractural arachnodactyly. Last evaluated: 2018-01-13. Review status: criteria provided, single submitter. Criteria: ICSL Variant Classification Criteria 13 December 2019. Collection method: clinical testing. Allele origin: germline.
Comment: This variant was observed in the ICSL laboratory as part of a predisposition screen in an ostensibly healthy population. It had not been previously curated by ICSL or reported in the Human Gene Mutation Database (HGMD: prior to June 1st, 2018), and was therefore a candidate for classification through an automated scoring system. Utilizing variant allele frequency, disease prevalence and penetrance estimates, and inheritance mode, an automated score was calculated to assess if this variant is too frequent to cause the disease. Based on the score and internal cut-off values, a variant classified as likely benign is not then subjected to further curation. The score for this variant resulted in a classification of likely benign for this disease.

Center for Human Genetics, Inc
Classification: Likely benign for Connective tissue disorder. Last evaluated: 2016-11-01. Review status: criteria provided, single submitter. Criteria: ACMG Guidelines, 2015. Collection method: clinical testing. Allele origin: germline. Affected: yes.

GeneDx
Classification: Benign. Last evaluated: 2015-04-29. Review status: criteria provided, single submitter. Criteria: GeneDx Variant Classification (06012015). Collection method: clinical testing. Allele origin: germline. Affected: yes.
Comment: This variant is considered likely benign or benign based on one or more of the following criteria: it is a conservative change, it occurs at a poorly conserved position in the protein, it is predicted to be benign by multiple in silico algorithms, and/or has population frequency not consistent with disease.

NM_001999.4(FBN2):c.3217+13G>A

Genes: FBN2 (fibrillin 2; minus strand), LOC126807501 (BRD4-independent group 4 enhancer GRCh37_chr5:127680731-127681930; plus strand). Cytogenetic location: 5q23.3.
Variant type: single nucleotide variant.
Coding change: c.3217+13G>A on transcript NM_001999.4 (MANE Select); 13 bases into the intron after coding-DNA position 3217, G replaced by A.
Molecular consequence: intron variant.
Genome position (GRCh38, 1-based): chr5:128,345,344, C>T on the plus strand (G>A on the coding strand, the complement: FBN2 is on the minus strand). VCF-style: chr5-128345344-C-T. GRCh37 (hg19) VCF-style: chr5-127681036-C-T.
Identifiers: ClinVar variation 213227 (VCV000213227.14), dbSNP rs572013507, ClinGen allele CA324143.